The following is an entry in ClinVar:

ClinVar aggregate classification (germline): Uncertain significance (1 of 4 stars; one submission).

Conditions:
Ataxia-telangiectasia syndrome (AT). Also called: Cerebello-oculocutaneous telangiectasia; Immunodeficiency with ataxia telangiectasia; Ataxia-telangiectasia, complementation group D; Ataxia telangiectasia (A-T); ATAXIA-TELANGIECTASIA, COMPLEMENTATION GROUP A; ATAXIA-TELANGIECTASIA, FRESNO VARIANT. Identifiers: Orphanet 100, MedGen C0004135, MONDO:0008840, OMIM 208900.

Submission:

Labcorp Genetics (formerly Invitae), Labcorp
Classification: Uncertain significance for Ataxia-telangiectasia syndrome. Last evaluated: 2022-04-25. Review status: criteria provided, single submitter. Criteria: Invitae Variant Classification Sherloc (09022015). Collection method: clinical testing. Allele origin: germline.
Comment: This variant has not been reported in the literature in individuals affected with ATM-related conditions. In summary, the available evidence is currently insufficient to determine the role of this variant in disease. Therefore, it has been classified as a Variant of Uncertain Significance. Algorithms developed to predict the effect of sequence changes on RNA splicing suggest that this variant may disrupt the consensus splice site. This variant is not present in population databases (gnomAD no frequency). This sequence change falls in intron 5 of the ATM gene. It does not directly change the encoded amino acid sequence of the ATM protein.

NM_000051.4(ATM):c.497-5T>A

Gene: ATM (ATM serine/threonine kinase; plus strand). Cytogenetic location: 11q22.3.
Variant type: single nucleotide variant.
Coding change: c.497-5T>A on transcript NM_000051.4 (MANE Select); 5 bases into the intron before coding-DNA position 497, T replaced by A.
Molecular consequence: intron variant.
Genome position (GRCh38, 1-based): chr11:108,243,948, T>A. VCF-style: chr11-108243948-T-A. GRCh37 (hg19) VCF-style: chr11-108114675-T-A.
Other names: c.497-5T>A (NM_001351834.2).
Identifiers: ClinVar variation 2130523 (VCV002130523.4), dbSNP rs1591499452, ClinGen allele CA2580083103.